The following is an entry in ClinVar:

NC_012920.1(MT-TM):m.4417A>G

Gene: MT-TM (mitochondrially encoded tRNA methionine; plus strand).
Variant type: single nucleotide variant.
Genome position: chrM-4417-A-G.
Identifiers: ClinVar variation 689909 (VCV000689909.1), dbSNP rs1603219452, ClinGen allele CA913178082.

ClinVar aggregate classification (germline): Likely benign (1 of 4 stars; one submission).

Conditions:
MELAS syndrome (MELAS). Also called: Juvenile myopathy, encephalopathy, lactic acidosis, stroke. Identifiers: Orphanet 550, MedGen C0162671, MONDO:0010789, OMIM 540000.

Submission:

Wong Mito Lab, Molecular and Human Genetics, Baylor College of Medicine
Classification: Likely benign for MELAS syndrome. Last evaluated: 2019-07-12. Review status: criteria provided, single submitter. Criteria: Modified ACMG Guidelines (Unpublished). Collection method: clinical testing. Allele origin: germline.
Comment: The NC_012920.1:m.4417A>G variant in MT-TM gene is interpreted to be a Likely Benign variant based on the modified ACMG guidelines (unpublished). This variant meets the following evidence codes reported in the guidelines: BS1, BP4, BP5

Literature cited by the submitters: PubMed 31965079.